The following is an entry in ClinVar:

NM_001005242.3(PKP2):c.2142del (p.Asn715fs)

Gene: PKP2 (plakophilin 2; minus strand). Cytogenetic location: 12p11.21.
Variant type: Deletion.
Coding change: c.2142del on transcript NM_001005242.3 (MANE Select); coding-DNA position 2142, one base deleted (G; older notation c.2142delG).
Protein change: p.Asn715fs; shifts the reading frame from asparagine 715.
Molecular consequence: frameshift variant.
Genome position (GRCh38, 1-based): chr12:32,802,428, C deleted on the plus strand (G on the coding strand, the reverse complement: PKP2 is on the minus strand); the first of 2 consecutive C bases (chr12:32,802,428-32,802,429); deleting either gives the same sequence. VCF-style (leftmost placement, unchanged base first): chr12-32802427-TC-T. GRCh37 (hg19) VCF-style: chr12-32955361-TC-T.
Other names: c.2274delG (NM_004572.3); c.2274del, p.Asn759fs (NM_004572.4); short protein forms N715fs, N759fs.
Identifiers: ClinVar variation 202023 (VCV000202023.3), dbSNP rs794729130, ClinGen allele CA011846.

ClinVar aggregate classification (germline): Pathogenic/Likely pathogenic. Review status: criteria provided, multiple submitters, no conflicts (2 of 4 stars). 2 submissions from 2 submitters: Pathogenic (1); Likely pathogenic (1). Last evaluated 2022-11-04.

Conditions:
Arrhythmogenic right ventricular cardiomyopathy (ARVD). Also called: Arrhythmogenic cardiomyopathy; Arrhythmogenic right ventricular dysplasia; Arrhythmogenic Right Ventricular Cardiomyopathy (ARVC); Cardiomyopathy, ARVC. Identifiers: Orphanet 247, MedGen C0349788, MeSH D019571, MONDO:0016587. Disease mechanism: loss of function. Inheritance: Various modes of inheritance.

Submissions (2):

Laboratory for Molecular Medicine, Mass General Brigham Personalized Medicine
Classification: Pathogenic for Arrhythmogenic right ventricular cardiomyopathy. Last evaluated: 2022-11-04. Review status: criteria provided, single submitter. Criteria: ACMG Guidelines, 2015. Collection method: clinical testing. Allele origin: germline. Inheritance: Autosomal dominant inheritance.
Comment: The p.Asn759IlefsX41 variant in PKP2 has been reported in at least 1 individual with ARVC and in 1 homozygous individual with DCM (van Lint 2019 PMID: 31386562, Al-hassnan 2020 PMID: 32870709). It has also been reported in ClinVar (Variation ID 202023) but was absent from large population studies. This variant is predicted to cause a frameshift, which alters the protein’s amino acid sequence beginning at position 759 and leads to a premature termination codon 41 amino acids downstream. This alteration is then predicted to lead to a truncated or absent protein. Loss of function of the PKP2 gene is an established disease mechanism in autosomal dominant ARVC. In summary, this variant meets criteria to be classified as pathogenic for autosomal dominant ARVC. ACMG/AMP Criteria applied: PVS1, PS4_Supporting, PM2_Supporting.

GeneDx
Classification: Likely pathogenic. Last evaluated: 2016-04-19. Review status: criteria provided, single submitter. Criteria: GeneDx Variant Classification (06012015). Collection method: clinical testing. Allele origin: germline. Affected: yes.
Comment: The c.2274delG likely pathogenic variant in the PKP2 gene has not been reported as a pathogenic variant or a benign varaint to our knowledge. The c.2274delG variant causes a shift in reading frame starting at codon Asparagine 759, changing it to an Isoleucine, and creating a premature stop codon at position 41 of the new reading frame, denoted p.N759IfsX41. This variant is expected to result in either an abnormal, truncated protein product or loss of protein from this allele through nonsense-mediated mRNA decay. Other frameshift variants in the PKP2 gene have been reported in HGMD in association with ARVC (Stenson et al., 2014).